The following is an entry in ClinVar:

ClinVar aggregate classification (germline): Uncertain significance (1 of 4 stars; one submission).

Submission:

GeneDx
Classification: Uncertain significance. Last evaluated: 2023-12-04. Review status: criteria provided, single submitter. Criteria: GeneDx Variant Classification Process June 2021. Collection method: clinical testing. Allele origin: germline.
Comment: Not observed at significant frequency in large population cohorts (gnomAD); In silico analysis supports that this missense variant does not alter protein structure/function; Has not been previously published as pathogenic or benign to our knowledge

NM_016333.4(SRRM2):c.2086A>G (p.Thr696Ala)

Gene: SRRM2 (serine/arginine repetitive matrix 2; plus strand). Cytogenetic location: 16p13.3.
Variant type: single nucleotide variant.
Coding change: c.2086A>G on transcript NM_016333.4 (MANE Select); coding-DNA position 2086, A replaced by G.
Protein change: p.Thr696Ala; replaces threonine 696 with alanine.
Molecular consequence: missense variant.
Genome position (GRCh38, 1-based): chr16:2,762,614, A>G. VCF-style: chr16-2762614-A-G. GRCh37 (hg19) VCF-style: chr16-2812615-A-G.
Other names: short protein forms T696A.
Identifiers: ClinVar variation 2576895 (VCV002576895.2), dbSNP rs753523762, ClinGen allele CA394410550.